The following is an entry in ClinVar:

ClinVar aggregate classification (germline): Likely benign. Review status: criteria provided, multiple submitters, no conflicts (2 of 4 stars). 4 submissions from 4 submitters: Likely benign (4). Last evaluated 2025-04-09.

Conditions:
Hereditary cancer-predisposing syndrome. Also called: Hereditary Cancer Syndrome; Hereditary neoplastic syndrome; Neoplastic Syndromes, Hereditary; Tumor predisposition. Identifiers: Orphanet 140162, MedGen C0027672, MeSH D009386, MONDO:0015356.
Hereditary breast ovarian cancer syndrome. Also called: BRCA1- and BRCA2-Associated Hereditary Breast and Ovarian Cancer; Hereditary breast and ovarian cancer syndrome; Hereditary breast and ovarian cancer syndrome (HBOC); Breast and ovarian cancer; Hereditary breast and ovarian cancer; Hereditary breast and/or ovarian cancer syndrome. Identifiers: Orphanet 145, MedGen C0677776, MeSH D061325, MONDO:0003582. Disease mechanism: loss of function.
Breast-ovarian cancer, familial, susceptibility to, 2 (BROVCA2). Also called: BRCA2 Hereditary Breast and Ovarian Cancer. Identifiers: Orphanet 145, MedGen C2675520, MONDO:0012933, OMIM 612555. Disease mechanism: loss of function.

Submissions (4):

Ambry Genetics
Classification: Likely benign for Hereditary cancer-predisposing syndrome. Last evaluated: 2025-04-09. Review status: criteria provided, single submitter. Criteria: Ambry Variant Classification Scheme 2023. Collection method: clinical testing. Allele origin: germline.

Labcorp Genetics (formerly Invitae), Labcorp
Classification: Likely benign for Hereditary breast ovarian cancer syndrome. Last evaluated: 2024-05-10. Review status: criteria provided, single submitter. Criteria: Invitae Variant Classification Sherloc (09022015). Collection method: clinical testing. Allele origin: germline.

All of Us Research Program, National Institutes of Health
Classification: Likely benign for Breast-ovarian cancer, familial, susceptibility to, 2. Last evaluated: 2023-06-26. Review status: criteria provided, single submitter. Criteria: ACMG Guidelines, 2015. Collection method: clinical testing. Allele origin: germline. Inheritance: Autosomal dominant inheritance. Observed: 1 variant allele, 1 heterozygote.
Comment: This study involves interpretation of variants in research participants for the purpose of population health screening. Participant phenotype was not available at the time of variant classification. Additional details can be found in publication PMID: 35346344, PMCID: PMC8962531

Color Diagnostics, LLC DBA Color Health
Classification: Likely benign for Hereditary cancer-predisposing syndrome. Last evaluated: 2019-08-02. Review status: criteria provided, single submitter. Criteria: ACMG Guidelines, 2015. Collection method: clinical testing. Allele origin: germline.

NM_000059.4(BRCA2):c.1785T>C (p.His595=)

Gene: BRCA2 (BRCA2 DNA repair associated; plus strand). Cytogenetic location: 13q13.1.
Variant type: single nucleotide variant.
Coding change: c.1785T>C on transcript NM_000059.4 (MANE Select); coding-DNA position 1785, T replaced by C.
Protein change: p.His595=; no amino-acid change (histidine 595 retained).
Molecular consequence: synonymous variant.
Genome position (GRCh38, 1-based): chr13:32,333,263, T>C. VCF-style: chr13-32333263-T-C. GRCh37 (hg19) VCF-style: chr13-32907400-T-C.
Identifiers: ClinVar variation 921068 (VCV000921068.6), dbSNP rs2072422073, ClinGen allele CA483436861.